The following is an entry in ClinVar:

NM_001378974.1(FBXW11):c.974T>C (p.Val325Ala)

Gene: FBXW11 (F-box and WD repeat domain containing 11; minus strand). Cytogenetic location: 5q35.1.
Variant type: single nucleotide variant.
Coding change: c.974T>C on transcript NM_001378974.1 (MANE Select); coding-DNA position 974, T replaced by C.
Protein change: p.Val325Ala; replaces valine 325 with alanine.
Molecular consequence: missense variant.
Genome position (GRCh38, 1-based): chr5:171,876,532, A>G on the plus strand (T>C on the coding strand, the complement: FBXW11 is on the minus strand). VCF-style: chr5-171876532-A-G. GRCh37 (hg19) VCF-style: chr5-171303536-A-G.
Other names: c.905T>C, p.Val302Ala (NM_001378975.1); c.878T>C, p.Val293Ala (NM_001378976.1); c.815T>C, p.Val272Ala (NM_001378977.1, NM_001378978.1, NM_001378979.1); c.809T>C, p.Val270Ala (NM_001378980.1, NM_033645.3); c.911T>C, p.Val304Ala (NM_012300.3); c.872T>C, p.Val291Ala (NM_033644.3); short protein forms V270A, V272A, V291A, V293A, V302A, V304A, V325A.
Identifiers: ClinVar variation 3343303 (VCV003343303.1).

ClinVar aggregate classification (germline): Uncertain significance (1 of 4 stars; one submission).

gnomAD v4.1: 1 of 1,611,642 alleles (0.000062%); highest among the groups gnomAD compares: Non-Finnish European, 0.000085%; no homozygotes.

Submission:

GeneDx
Classification: Uncertain significance. Last evaluated: 2023-05-03. Review status: criteria provided, single submitter. Criteria: GeneDx Variant Classification Process June 2021. Collection method: clinical testing. Allele origin: germline. Affected: yes.
Comment: Not observed at significant frequency in large population cohorts (gnomAD); In silico analysis supports that this missense variant has a deleterious effect on protein structure/function; Has not been previously published as pathogenic or benign to our knowledge